The following is an entry in ClinVar:

NM_001184880.2(PCDH19):c.3187del (p.Ser1063fs)

Gene: PCDH19 (protocadherin 19; minus strand). Cytogenetic location: Xq22.1.
Variant type: Deletion.
Coding change: c.3187del on transcript NM_001184880.2 (MANE Select); coding-DNA position 3187, one base deleted (A; older notation c.3187delA).
Protein change: p.Ser1063fs; shifts the reading frame from serine 1063.
Molecular consequence: frameshift variant.
Genome position (GRCh38, 1-based): chrX:100,296,537, T deleted on the plus strand (A on the coding strand, the reverse complement: PCDH19 is on the minus strand). VCF-style (leftmost placement, unchanged base first): chrX-100296536-CT-C. GRCh37 (hg19) VCF-style: chrX-99551534-CT-C.
Other names: c.3046del, p.Ser1016fs (NM_001105243.2); c.3043del, p.Ser1015fs (NM_020766.3); short protein forms S1015fs, S1016fs, S1063fs.
Identifiers: ClinVar variation 1324858 (VCV001324858.29), dbSNP rs2147445956, ClinGen allele CA2573055040.
Genomic context (GRCh38, chrX:100,296,536, plus strand): 5'-TAAGACACGGAAGGCTTGGTGGGCAGAGAGCTCTTGAGGTGGAGGGGGGAGGTGACAGGG[CT>C]AATCGCCTCACAGCCATTGCCTGCCTCCCGGATAACGCTGTTGACCTTGGGGCTGCAGAT-3'

ClinVar aggregate classification (germline): Likely pathogenic. Review status: criteria provided, multiple submitters, no conflicts (2 of 4 stars). 2 submissions from 2 submitters: Likely pathogenic (2). Last evaluated 2024-02-01.

Conditions:
Developmental and epileptic encephalopathy, 9 (DEE9). Also called: JUBERG-HELLMAN SYNDROME; EPILEPSY, FEMALE-RESTRICTED, WITH MENTAL RETARDATION; Early infantile epileptic encephalopathy 9; PCDH19-Related X-Linked Female-Limited Epilepsy with Mental Retardation. Identifiers: Orphanet 101039, Orphanet 2076, MedGen C1848137, MONDO:0010246, OMIM 300088. Disease mechanism: loss of function.

Submissions (2):

CeGaT Center for Human Genetics Tuebingen
Classification: Likely pathogenic. Last evaluated: 2024-02-01. Review status: criteria provided, single submitter. Criteria: CeGaT Center For Human Genetics Tuebingen Variant Classification Criteria Version 2. Collection method: clinical testing. Allele origin: germline. Affected: yes. Observed: 1 variant allele.
Comment: PCDH19: PM2, PVS1:Moderate, PM6:Supporting, PS4:Supporting

Revvity Omics, Revvity
Classification: Likely pathogenic for Developmental and epileptic encephalopathy, 9. Last evaluated: 2019-12-12. Review status: criteria provided, single submitter. Criteria: ACMG Guidelines, 2015. Collection method: clinical testing. Allele origin: germline.